The following is an entry in ClinVar:

ClinVar aggregate classification (germline): Pathogenic. Review status: criteria provided, multiple submitters, no conflicts (2 of 4 stars). 5 submissions from 5 submitters: Pathogenic (5). Last evaluated 2025-05-01.

Conditions:
CHD2-related disorder. Also called: CHD2-related condition.
Inborn genetic diseases. Identifiers: MedGen C0950123, MeSH D030342.
Developmental and epileptic encephalopathy 94 (DEE94). Also called: Epileptic encephalopathy, childhood-onset; CHD2-Related Neurodevelopmental Disorders. Identifiers: Orphanet 1942, Orphanet 2382, MedGen C3809278, MONDO:0014150, OMIM 615369.

Submissions (5):

Labcorp Genetics (formerly Invitae), Labcorp
Classification: Pathogenic for Developmental and epileptic encephalopathy 94. Last evaluated: 2025-05-01. Review status: criteria provided, single submitter. Criteria: Invitae Variant Classification Sherloc (09022015). Collection method: clinical testing. Allele origin: germline.
Comment: This sequence change creates a premature translational stop signal (p.Arg1313*) in the CHD2 gene. It is expected to result in an absent or disrupted protein product. Loss-of-function variants in CHD2 are known to be pathogenic (PMID: 23708187, 24207121). This variant is not present in population databases (gnomAD no frequency). This premature translational stop signal has been observed in individual(s) with clinical features of developmental and epileptic encephalopathy (PMID: 31618753). In at least one individual the variant was observed to be de novo. ClinVar contains an entry for this variant (Variation ID: 521625). For these reasons, this variant has been classified as Pathogenic.

Blueprint Genetics
Classification: Pathogenic for CHD2-related disorders. Last evaluated: 2022-12-20. Review status: criteria provided, single submitter. Criteria: ACMG Guidelines, 2015. Collection method: clinical testing. Allele origin: germline. Affected: yes. Observed: 1 variant allele.

GeneDx
Classification: Pathogenic. Last evaluated: 2022-07-19. Review status: criteria provided, single submitter. Criteria: GeneDx Variant Classification Process June 2021. Collection method: clinical testing. Allele origin: germline. Affected: yes.
Comment: Nonsense variant predicted to result in protein truncation or nonsense mediated decay in a gene for which loss-of-function is a known mechanism of disease; Not observed at significant frequency in large population cohorts (gnomAD); This variant is associated with the following publications: (PMID: 31618753, 23708187, 24207121, 34713950)

Ambry Genetics
Classification: Pathogenic for Inborn genetic diseases. Last evaluated: 2021-10-22. Review status: criteria provided, single submitter. Criteria: Ambry Variant Classification Scheme 2023. Collection method: clinical testing. Allele origin: germline.
Comment: The c.3937C>T (p.R1313*) alteration, located in exon 31 (coding exon 30) of the CHD2 gene, consists of a C to T substitution at nucleotide position 3937. This changes the amino acid from an arginine (R) to a stop codon at amino acid position 1313. This alteration is expected to result in loss of function by premature protein truncation or nonsense-mediated mRNA decay. This variant was not reported in population-based cohorts in the Genome Aggregation Database (gnomAD). Based on the available evidence, this alteration is classified as pathogenic.

Rady Children's Institute for Genomic Medicine, Rady Children's Hospital San Diego
Classification: Pathogenic for EPILEPTIC ENCEPHALOPATHY, CHILDHOOD-ONSET. Review status: criteria provided, single submitter. Criteria: ACMG Guidelines, 2015. Collection method: clinical testing. Allele origin: germline. Affected: yes.
Comment: This nonsense variant found in exon 31 of 39 is predicted to result in loss of normal protein function through either protein truncation or nonsense-mediated mRNA decay (NMD). This variant has been reported as a de novo change in an individual with childhood-onset epileptic encephalopathy (PMID: 31618753). Loss-of-function variation in CHD2 is an established mechanism of disease (PMID: 23708187, 24207121, 28492532). The c.3937C>T (p.Arg1313Ter) variant is absent from the gnomAD population database and thus is presumed to be rare. Analysis of the parental samples was negative for the variant, indicating this variant likely occurred as a de novo event. Based on the available evidence, the c.3937C>T (p.Arg1313Ter) variant is classified as a Pathogenic.

Literature cited by the submitters: PubMed 23708187 (cited by Labcorp Genetics (formerly Invitae), Labcorp); PubMed 24207121 (cited by Labcorp Genetics (formerly Invitae), Labcorp); PubMed 31618753 (cited by Labcorp Genetics (formerly Invitae), Labcorp and Ambry Genetics).

NM_001271.4(CHD2):c.3937C>T (p.Arg1313Ter)

Gene: CHD2 (chromodomain helicase DNA binding protein 2; plus strand). Cytogenetic location: 15q26.1.
Variant type: single nucleotide variant.
Coding change: c.3937C>T on transcript NM_001271.4 (MANE Select); coding-DNA position 3937, C replaced by T.
Protein change: p.Arg1313Ter; replaces arginine 1313 with a stop codon.
Molecular consequence: nonsense.
Genome position (GRCh38, 1-based): chr15:92,998,550, C>T. VCF-style: chr15-92998550-C-T. GRCh37 (hg19) VCF-style: chr15-93541780-C-T.
Other names: short protein forms R1313*.
Identifiers: ClinVar variation 521625 (VCV000521625.16), dbSNP rs1555444702, ClinGen allele CA393899425.